The following is an entry in ClinVar:

NM_006073.4(TRDN):c.1651A>G (p.Thr551Ala)

Gene: TRDN (triadin; minus strand). Cytogenetic location: 6q22.31.
Variant type: single nucleotide variant.
Coding change: c.1651A>G on transcript NM_006073.4 (MANE Select); coding-DNA position 1651, A replaced by G.
Protein change: p.Thr551Ala; replaces threonine 551 with alanine.
Molecular consequence: missense variant.
Genome position (GRCh38, 1-based): chr6:123,272,985, T>C on the plus strand (A>G on the coding strand, the complement: TRDN is on the minus strand). VCF-style: chr6-123272985-T-C. GRCh37 (hg19) VCF-style: chr6-123594130-T-C.
Other names: short protein forms T551A.
Identifiers: ClinVar variation 566172 (VCV000566172.9), dbSNP rs1304157111, ClinGen allele CA365564878.

ClinVar aggregate classification (germline): Uncertain significance. Review status: criteria provided, multiple submitters, no conflicts (2 of 4 stars). 2 submissions from 2 submitters: Uncertain significance (2). Last evaluated 2021-08-30.

Conditions:
Catecholaminergic polymorphic ventricular tachycardia 1. Also called: RYR2-Related Catecholaminergic Polymorphic Ventricular Tachycardia; VENTRICULAR TACHYCARDIA, CATECHOLAMINERGIC POLYMORPHIC, 1, WITH OR WITHOUT ATRIAL DYSFUNCTION AND/OR DILATED CARDIOMYOPATHY; VENTRICULAR TACHYCARDIA, STRESS-INDUCED POLYMORPHIC 1. Identifiers: Orphanet 3286, MedGen C1631597, MONDO:0011484, OMIM 604772.
Cardiovascular phenotype. Identifiers: MedGen CN230736.

Allele frequency attached by ClinVar (database versions not stated): gnomAD exomes below 0.00001; gnomAD 0.00003; TOPMed 0.00003.
gnomAD v4.1: 6 of 1,530,094 alleles (0.00039%); highest among the groups gnomAD compares: African/African-American, 0.0014%; no homozygotes.

Submissions (2):

Labcorp Genetics (formerly Invitae), Labcorp
Classification: Uncertain significance for Catecholaminergic polymorphic ventricular tachycardia 1. Last evaluated: 2021-08-30. Review status: criteria provided, single submitter. Criteria: Invitae Variant Classification Sherloc (09022015). Collection method: clinical testing. Allele origin: germline.
Comment: This sequence change replaces threonine with alanine at codon 551 of the TRDN protein (p.Thr551Ala). The threonine residue is weakly conserved and there is a small physicochemical difference between threonine and alanine. This variant is not present in population databases (ExAC no frequency). This variant has not been reported in the literature in individuals affected with TRDN-related conditions. Algorithms developed to predict the effect of missense changes on protein structure and function output the following: SIFT: "Deleterious"; PolyPhen-2: "Benign"; Align-GVGD: "Class C0". The alanine amino acid residue is found in multiple mammalian species, which suggests that this missense change does not adversely affect protein function. In summary, the available evidence is currently insufficient to determine the role of this variant in disease. Therefore, it has been classified as a Variant of Uncertain Significance.

Ambry Genetics
Classification: Uncertain significance for Cardiovascular phenotype. Last evaluated: 2020-12-15. Review status: criteria provided, single submitter. Criteria: Ambry Variant Classification Scheme 2023. Collection method: clinical testing. Allele origin: germline.
Comment: The p.T551A variant (also known as c.1651A>G), located in coding exon 29 of the TRDN gene, results from an A to G substitution at nucleotide position 1651. The threonine at codon 551 is replaced by alanine, an amino acid with similar properties. This amino acid position is not well conserved in available vertebrate species, and alanine is the reference amino acid in other vertebrate species. In addition, this alteration is predicted to be tolerated by in silico analysis. Since supporting evidence is limited at this time, the clinical significance of this alteration remains unclear.